The following is an entry in ClinVar:

NM_012470.4(TNPO3):c.2040G>C (p.Leu680=)

Gene: TNPO3 (transportin 3; minus strand). Cytogenetic location: 7q32.1.
Variant type: single nucleotide variant.
Coding change: c.2040G>C on transcript NM_012470.4 (MANE Select); coding-DNA position 2040, G replaced by C.
Protein change: p.Leu680=; no amino-acid change (leucine 680 retained).
Molecular consequence: synonymous variant. On other transcripts: non-coding transcript variant (14), intron variant (1).
Genome position (GRCh38, 1-based): chr7:128,979,004, C>G on the plus strand (G>C on the coding strand, the complement: TNPO3 is on the minus strand). VCF-style: chr7-128979004-C-G. GRCh37 (hg19) VCF-style: chr7-128619058-C-G.
Other names: c.1848G>C, p.Leu616= (NM_001191028.3, NM_001382223.1); c.2142G>C, p.Leu714= (NM_001382216.1); c.2121G>C, p.Leu707= (NM_001382217.1); c.2040G>C, p.Leu680= (NM_001382218.1); c.1932G>C, p.Leu644= (NM_001382219.1); c.1896G>C, p.Leu632= (NM_001382221.1); c.1893G>C, p.Leu631= (NM_001382222.1); c.1920+967G>C (NM_001382220.1).
Identifiers: ClinVar variation 3389730 (VCV003389730.14).

ClinVar aggregate classification (germline): Likely benign (1 of 4 stars; one submission).

gnomAD v4.1: 1 of 1,614,134 alleles (0.000062%); highest among the groups gnomAD compares: African/African-American, 0.0013%; no homozygotes.

Submission:

CeGaT Center for Human Genetics Tuebingen
Classification: Likely benign. Last evaluated: 2024-09-01. Review status: criteria provided, single submitter. Criteria: CeGaT Center For Human Genetics Tuebingen Variant Classification Criteria Version 2. Collection method: clinical testing. Allele origin: germline. Affected: yes. Observed: 1 variant allele.
Comment: TNPO3: BP4, BP7